The following is an entry in ClinVar:

ClinVar aggregate classification (germline): Uncertain significance (1 of 4 stars; one submission).

Conditions:
TTC21B-related disorder. Also called: TTC21B-related condition; TTC21B-related disorders.

gnomAD v4.1: 11 of 1,612,898 alleles (0.00068%); highest among the groups gnomAD compares: Non-Finnish European, 0.00085%; no homozygotes.

Submission:

PreventionGenetics, part of Exact Sciences
Classification: Uncertain significance for TTC21B-related condition. Last evaluated: 2025-10-27. Review status: criteria provided, single submitter. Criteria: ACMG Guidelines, 2015. Collection method: clinical testing. Allele origin: germline.
Comment: The TTC21B c.1294G>A variant is predicted to result in the amino acid substitution p.Gly432Ser. To our knowledge, this variant has not been reported in the literature or in a large population database (gnomAD), indicating this variant is rare. At this time, the clinical significance of this variant is uncertain due to the absence of conclusive functional and genetic evidence.

NM_024753.5(TTC21B):c.1294G>A (p.Gly432Ser)

Gene: TTC21B (tetratricopeptide repeat domain 21B; minus strand). Cytogenetic location: 2q24.3.
Variant type: single nucleotide variant.
Coding change: c.1294G>A on transcript NM_024753.5 (MANE Select); coding-DNA position 1294, G replaced by A.
Protein change: p.Gly432Ser; replaces glycine 432 with serine.
Molecular consequence: missense variant.
Genome position (GRCh38, 1-based): chr2:165,929,227, C>T on the plus strand (G>A on the coding strand, the complement: TTC21B is on the minus strand). VCF-style: chr2-165929227-C-T. GRCh37 (hg19) VCF-style: chr2-166785737-C-T.
Other names: short protein forms G432S.
Identifiers: ClinVar variation 4978201 (VCV004978201.1).